The following is an entry in ClinVar:

NM_003412.4(ZIC1):c.159G>T (p.Ser53=)

Gene: ZIC1 (Zic family zinc finger 1; plus strand). Cytogenetic location: 3q24.
Variant type: single nucleotide variant.
Coding change: c.159G>T on transcript NM_003412.4 (MANE Select); coding-DNA position 159, G replaced by T.
Protein change: p.Ser53=; no amino-acid change (serine 53 retained).
Molecular consequence: synonymous variant.
Genome position (GRCh38, 1-based): chr3:147,410,271, G>T. VCF-style: chr3-147410271-G-T. GRCh37 (hg19) VCF-style: chr3-147128058-G-T.
Identifiers: ClinVar variation 2654209 (VCV002654209.24), dbSNP rs1281947816, ClinGen allele CA436192120.
Genomic context (GRCh38, chr3:147,410,271, plus strand): 5'-GGGCCTGGGCATCAACCCGTTCGCCGACGGCATGGGCGCCTTCAAGCTCAACCCCAGTTC[G>T]CACGAGCTGGCTTCGGCCGGCCAGACGGCCTTCACGTCGCAGGCGCCAGGCTACGCGGCT-3'
Protein context (NP_003403.2, residues 43-63): GMGAFKLNPS[Ser53=]HELASAGQTA

ClinVar aggregate classification (germline): Likely benign (1 of 4 stars; one submission).

Allele frequency attached by ClinVar (database versions not stated): gnomAD exomes below 0.00001.
gnomAD v4.1: 4 of 1,600,682 alleles (0.00025%); highest among the groups gnomAD compares: Non-Finnish European, 0.00025%; no homozygotes.

Submission:

CeGaT Center for Human Genetics Tuebingen
Classification: Likely benign. Last evaluated: 2023-02-01. Review status: criteria provided, single submitter. Criteria: CeGaT Center For Human Genetics Tuebingen Variant Classification Criteria Version 2. Collection method: clinical testing. Allele origin: germline. Affected: yes. Observed: 1 variant allele.
Comment: ZIC1: PM2:Supporting, BP4, BP7